The following is an entry in ClinVar:

NM_001211.6(BUB1B):c.2009+1G>A

Gene: BUB1B (BUB1 mitotic checkpoint serine/threonine kinase B; plus strand). Cytogenetic location: 15q15.1.
Variant type: single nucleotide variant.
Coding change: c.2009+1G>A on transcript NM_001211.6 (MANE Select); the canonical splice donor site of the intron after coding-DNA position 2009, G replaced by A.
Molecular consequence: splice donor variant.
Genome position (GRCh38, 1-based): chr15:40,206,459, G>A. VCF-style: chr15-40206459-G-A. GRCh37 (hg19) VCF-style: chr15-40498660-G-A.
Identifiers: ClinVar variation 4856965 (VCV004856965.2).

ClinVar aggregate classification (germline): Likely pathogenic (1 of 4 stars; one submission).

gnomAD v4.1: 8 of 1,614,016 alleles (0.0005%); highest among the groups gnomAD compares: South Asian, 0.0011%; no homozygotes.

Submission:

Dasa
Classification: Likely pathogenic. Last evaluated: 2025-04-12. Review status: criteria provided, single submitter. Criteria: DASA Assertion Criteria. Collection method: clinical testing. Allele origin: germline.
Comment: NM_001211.6(BUB1B):c.2009+1G>A affects a canonical splice site and is predicted to disrupt normal RNA splicing. Loss of function is an established disease mechanism for BUB1B-associated disorders. Also, this variant is rare in population databases. Based on the currently available evidence, this variant is classified as likely pathogenic.